The following is an entry in ClinVar:

NM_000548.5(TSC2):c.1361+13C>T

Gene: TSC2 (TSC complex subunit 2; plus strand). Cytogenetic location: 16p13.3.
Variant type: single nucleotide variant.
Coding change: c.1361+13C>T on transcript NM_000548.5 (MANE Select); 13 bases into the intron after coding-DNA position 1361, C replaced by T.
Molecular consequence: intron variant.
Genome position (GRCh38, 1-based): chr16:2,062,613, C>T. VCF-style: chr16-2062613-C-T. GRCh37 (hg19) VCF-style: chr16-2112614-C-T.
Other names: c.1361+13C>T (NM_001114382.3, NM_021055.3, NM_001370405.1 and 3 more transcripts); c.1250+13C>T (NM_001318827.2); c.761+13C>T (NM_001318831.2); c.1214+13C>T (NM_001318829.2); c.1394+13C>T (NM_001318832.2).
Identifiers: ClinVar variation 516775 (VCV000516775.16), dbSNP rs900870796, ClinGen allele CA276777862.

ClinVar aggregate classification (germline): Conflicting classifications of pathogenicity. Review status: criteria provided, conflicting classifications (1 of 4 stars). 4 submissions from 4 submitters: Uncertain significance (1); Likely benign (3). Last evaluated 2026-01-02.

Conditions:
Tuberous sclerosis syndrome (TSC). Also called: Tuberous Sclerosis Complex; Tuberous sclerosis. Identifiers: Orphanet 805, MedGen C0041341, MONDO:0001734.
Tuberous sclerosis 2 (TSC2). Identifiers: Orphanet 805, MedGen C1860707, MONDO:0013199, OMIM 613254.

Allele frequency attached by ClinVar (database versions not stated): gnomAD 0.00001; gnomAD exomes 0.00001 and 0.00002; TOPMed 0.00002.
gnomAD v4.1: 17 of 1,596,066 alleles (0.0011%); highest among the groups gnomAD compares: Admixed American, 0.0069%; no homozygotes.

Submissions (4):

Labcorp Genetics (formerly Invitae), Labcorp
Classification: Likely benign for Tuberous sclerosis 2. Last evaluated: 2026-01-02. Review status: criteria provided, single submitter. Criteria: Invitae Variant Classification Sherloc (09022015). Collection method: clinical testing. Allele origin: germline.

Genome-Nilou Lab
Classification: Likely benign for Tuberous sclerosis 2. Last evaluated: 2021-11-07. Review status: criteria provided, single submitter. Criteria: ACMG Guidelines, 2015. Collection method: clinical testing. Allele origin: germline. Affected: no.

Illumina Laboratory Services, Illumina
Classification: Uncertain significance for Tuberous sclerosis syndrome. Last evaluated: 2018-01-13. Review status: criteria provided, single submitter. Criteria: ICSL Variant Classification Criteria 13 December 2019. Collection method: clinical testing. Allele origin: germline.

GeneDx
Classification: Likely benign. Last evaluated: 2017-09-22. Review status: criteria provided, single submitter. Criteria: GeneDx Variant Classification (06012015). Collection method: clinical testing. Allele origin: germline. Affected: yes.
Comment: This variant is considered likely benign or benign based on one or more of the following criteria: it is a conservative change, it occurs at a poorly conserved position in the protein, it is predicted to be benign by multiple in silico algorithms, and/or has population frequency not consistent with disease.